The following is an entry in ClinVar:

NM_007227.3(GPR45):c.221C>T (p.Ala74Val)

Gene: GPR45 (G protein-coupled receptor 45; plus strand). Cytogenetic location: 2q12.1.
Variant type: single nucleotide variant.
Coding change: c.221C>T on transcript NM_007227.3 (MANE Select); coding-DNA position 221, C replaced by T.
Protein change: p.Ala74Val; replaces alanine 74 with valine.
Molecular consequence: missense variant.
Genome position (GRCh38, 1-based): chr2:105,242,079, C>T. VCF-style: chr2-105242079-C-T. GRCh37 (hg19) VCF-style: chr2-105858536-C-T.
Other names: short protein forms A74V.
Identifiers: ClinVar variation 1968443 (VCV001968443.5), dbSNP rs1676363579, ClinGen allele CA348099581.

ClinVar aggregate classification (germline): Uncertain significance (1 of 4 stars; one submission).

Allele frequency attached by ClinVar (database versions not stated): gnomAD exomes below 0.00001; TOPMed below 0.00001.

Submission:

Labcorp Genetics (formerly Invitae), Labcorp
Classification: Uncertain significance. Last evaluated: 2022-08-22. Review status: criteria provided, single submitter. Criteria: Invitae Variant Classification Sherloc (09022015). Collection method: clinical testing. Allele origin: germline.
Comment: In summary, the available evidence is currently insufficient to determine the role of this variant in disease. Therefore, it has been classified as a Variant of Uncertain Significance. Algorithms developed to predict the effect of missense changes on protein structure and function are either unavailable or do not agree on the potential impact of this missense change (SIFT: "Deleterious"; PolyPhen-2: "Benign"; Align-GVGD: "Class C55"). This variant has not been reported in the literature in individuals affected with GPR45-related conditions. This variant is not present in population databases (gnomAD no frequency). This sequence change replaces alanine, which is neutral and non-polar, with valine, which is neutral and non-polar, at codon 74 of the GPR45 protein (p.Ala74Val).